The following is an entry in ClinVar:

NM_000562.3(C8A):c.620G>A (p.Arg207Gln)

Gene: C8A (complement C8 alpha chain; plus strand). Cytogenetic location: 1p32.2.
Variant type: single nucleotide variant.
Coding change: c.620G>A on transcript NM_000562.3 (MANE Select); coding-DNA position 620, G replaced by A.
Protein change: p.Arg207Gln; replaces arginine 207 with glutamine.
Molecular consequence: missense variant.
Genome position (GRCh38, 1-based): chr1:56,881,600, G>A. VCF-style: chr1-56881600-G-A. GRCh37 (hg19) VCF-style: chr1-57347273-G-A.
Other names: short protein forms R207Q.
Identifiers: ClinVar variation 1924287 (VCV001924287.3), dbSNP rs1007715803, ClinGen allele CA22865059.

ClinVar aggregate classification (germline): Uncertain significance. Review status: criteria provided, multiple submitters, no conflicts (2 of 4 stars). 2 submissions from 2 submitters: Uncertain significance (2). Last evaluated 2022-06-29.

Allele frequency attached by ClinVar (database versions not stated): gnomAD 0.00001.
gnomAD v4.1: 12 of 1,613,468 alleles (0.00074%); highest among the groups gnomAD compares: Middle Eastern, 0.017%; no homozygotes.

Submissions (2):

Labcorp Genetics (formerly Invitae), Labcorp
Classification: Uncertain significance. Last evaluated: 2022-06-29. Review status: criteria provided, single submitter. Criteria: Invitae Variant Classification Sherloc (09022015). Collection method: clinical testing. Allele origin: germline.
Comment: This sequence change replaces arginine, which is basic and polar, with glutamine, which is neutral and polar, at codon 207 of the C8A protein (p.Arg207Gln). This variant is not present in population databases (gnomAD no frequency). This variant has not been reported in the literature in individuals affected with C8A-related conditions. Algorithms developed to predict the effect of missense changes on protein structure and function are either unavailable or do not agree on the potential impact of this missense change (SIFT: "Tolerated"; PolyPhen-2: "Probably Damaging"; Align-GVGD: "Class C0"). In summary, the available evidence is currently insufficient to determine the role of this variant in disease. Therefore, it has been classified as a Variant of Uncertain Significance.

Ambry Genetics
Classification: Uncertain significance. Last evaluated: 2021-07-14. Review status: criteria provided, single submitter. Criteria: Ambry Variant Classification Scheme 2023. Collection method: clinical testing. Allele origin: germline.